The following is an entry in ClinVar:

ClinVar aggregate classification (germline): Likely pathogenic. Review status: criteria provided, multiple submitters, no conflicts (2 of 4 stars). 3 submissions from 3 submitters: Likely pathogenic (2). 1 of the submissions does not count toward it. Last evaluated 2025-08-12.

Conditions:
Pyruvate carboxylase deficiency. Also called: Pyruvate Carboxylase Deficiency Disease; ATAXIA WITH LACTIC ACIDOSIS II; LEIGH NECROTIZING ENCEPHALOPATHY DUE TO PYRUVATE CARBOXYLASE DEFICIENCY; LEIGH SYNDROME DUE TO PYRUVATE CARBOXYLASE DEFICIENCY; PC DEFICIENCY. Identifiers: Orphanet 3008, MedGen C0034341, MONDO:0009949, OMIM 266150.
PC-related disorder. Also called: PC-related condition.

Allele frequency attached by ClinVar (database versions not stated): gnomAD exomes below 0.00001.
gnomAD v4.1: 1 of 1,614,126 alleles (0.000062%); highest among the groups gnomAD compares: Non-Finnish European, 0.000085%; no homozygotes.

Submissions (3):

PreventionGenetics, part of Exact Sciences
Classification: Likely pathogenic for PC-related condition. Last evaluated: 2025-08-12. Review status: criteria provided, single submitter. Criteria: ACMG Guidelines, 2015. Collection method: clinical testing. Allele origin: germline.
Comment: The PC c.2606G>A variant is predicted to result in the amino acid substitution p.Gly869Asp. This variant has been reported in both homozygous and compound heterozygous states in two individuals with pyruvate carboxylase deficiency (Ostergaard et al. 2013. PubMed ID: 23430542; internal Data, PreventionGenetics). This variant has not been reported in a large population database (gnomAD), indicating this variant is rare. A different amino acid substitution at the same residue (p.Gly869Ala) was reported in one individual with pyruvate carboxylase deficiency (Tsygankova et al. 2022. PubMed ID: 35782291). This variant is interpreted as likely pathogenic.

Baylor Genetics
Classification: Likely pathogenic for Pyruvate carboxylase deficiency. Last evaluated: 2023-07-24. Review status: criteria provided, single submitter. Criteria: ACMG Guidelines, 2015. Collection method: clinical testing. Allele origin: unknown.

Counsyl
Classification: Uncertain significance for Pyruvate carboxylase deficiency. Last evaluated: 2017-10-17. Review status: no assertion criteria provided. Collection method: clinical testing. Allele origin: unknown. Not counted in ClinVar's aggregate classification.

Literature cited by the submitters: PubMed 23430542 (cited by Counsyl).

NM_001040716.2(PC):c.2606G>A (p.Gly869Asp)

Gene: PC (pyruvate carboxylase; minus strand). Cytogenetic location: 11q13.2.
Variant type: single nucleotide variant.
Coding change: c.2606G>A on transcript NM_001040716.2 (MANE Select); coding-DNA position 2606, G replaced by A.
Protein change: p.Gly869Asp; replaces glycine 869 with aspartic acid.
Molecular consequence: missense variant.
Genome position (GRCh38, 1-based): chr11:66,850,332, C>T on the plus strand (G>A on the coding strand, the complement: PC is on the minus strand). VCF-style: chr11-66850332-C-T. GRCh37 (hg19) VCF-style: chr11-66617803-C-T.
Other names: c.2606G>A, p.Gly869Asp (NM_000920.4, NM_022172.3); c.2606G>A (NM_001040716.1); short protein forms G869D.
Identifiers: ClinVar variation 554403 (VCV000554403.4), dbSNP rs1555015018, ClinGen allele CA381492596.